The following is an entry in ClinVar:

NM_020937.4(FANCM):c.3073T>C (p.Cys1025Arg)

Gene: FANCM (FA complementation group M; plus strand). Cytogenetic location: 14q21.2.
Variant type: single nucleotide variant.
Coding change: c.3073T>C on transcript NM_020937.4 (MANE Select); coding-DNA position 3073, T replaced by C.
Protein change: p.Cys1025Arg; replaces cysteine 1025 with arginine.
Molecular consequence: missense variant.
Genome position (GRCh38, 1-based): chr14:45,175,827, T>C. VCF-style: chr14-45175827-T-C. GRCh37 (hg19) VCF-style: chr14-45645030-T-C.
Other names: c.2995T>C, p.Cys999Arg (NM_001308133.2); short protein forms C1025R, C999R.
Identifiers: ClinVar variation 2506719 (VCV002506719.3), dbSNP rs2503186835, ClinGen allele CA389599802.
Genomic context (GRCh38, chr14:45,175,827, plus strand): 5'-TCAGACTTGGAATATGAAATTGCTAAGGGTACTGCACTTGAGAATTTGCTTTTCTTACCC[T>C]GTGCAGAGCATTTACGAAGTGATAAATGCACCTGTTTGCTGTCACATTCAGCTGTGAATT-3'
Protein context (NP_065988.1, residues 1015-1035): TALENLLFLP[Cys1025Arg]AEHLRSDKCT

ClinVar aggregate classification (germline): Uncertain significance. Review status: criteria provided, multiple submitters, no conflicts (2 of 4 stars). 2 submissions from 2 submitters: Uncertain significance (2). Last evaluated 2025-03-05.

Conditions:
Fanconi anemia (FA). Also called: Fanconi's anemia. Identifiers: Orphanet 84, MedGen C0015625, MeSH D005199, MONDO:0019391.

Allele frequency attached by ClinVar (database versions not stated): gnomAD exomes below 0.00001.
gnomAD v4.1: 1 of 1,614,002 alleles (0.000062%); highest among the groups gnomAD compares: Non-Finnish European, 0.000085%; no homozygotes.

Submissions (2):

Labcorp Genetics (formerly Invitae), Labcorp
Classification: Uncertain significance for Fanconi anemia. Last evaluated: 2025-03-05. Review status: criteria provided, single submitter. Criteria: Invitae Variant Classification Sherloc (09022015). Collection method: clinical testing. Allele origin: germline.
Comment: This sequence change replaces cysteine, which is neutral and slightly polar, with arginine, which is basic and polar, at codon 1025 of the FANCM protein (p.Cys1025Arg). This variant is not present in population databases (gnomAD no frequency). This variant has not been reported in the literature in individuals affected with FANCM-related conditions. ClinVar contains an entry for this variant (Variation ID: 2506719). An algorithm developed to predict the effect of missense changes on protein structure and function (PolyPhen-2) suggests that this variant is likely to be tolerated. In summary, the available evidence is currently insufficient to determine the role of this variant in disease. Therefore, it has been classified as a Variant of Uncertain Significance.

GeneDx
Classification: Uncertain significance. Last evaluated: 2023-10-10. Review status: criteria provided, single submitter. Criteria: GeneDx Variant Classification Process June 2021. Collection method: clinical testing. Allele origin: germline. Affected: yes.
Comment: Not observed at significant frequency in large population cohorts (gnomAD); In silico analysis supports that this missense variant does not alter protein structure/function; Has not been previously published as pathogenic or benign to our knowledge